The following is an entry in ClinVar:

ClinVar aggregate classification (germline): Conflicting classifications of pathogenicity. Review status: criteria provided, conflicting classifications (1 of 4 stars). 6 submissions from 6 submitters: Uncertain significance (1); Likely benign (5). Last evaluated 2025-11-24.

Conditions:
Inborn genetic diseases. Identifiers: MedGen C0950123, MeSH D030342.
Fanconi anemia (FA). Also called: Fanconi's anemia. Identifiers: Orphanet 84, MedGen C0015625, MeSH D005199, MONDO:0019391.

Allele frequency attached by ClinVar (database versions not stated): 1000 Genomes Project 30x 0.00021; 1000 Genomes Project 0.00026; gnomAD 0.00028 and 0.00031; TOPMed 0.00030.
gnomAD v4.1: 49 of 1,200,821 alleles (0.0041%); highest among the groups gnomAD compares: African/African-American, 0.079%; no homozygotes.

Submissions (6):

Labcorp Genetics (formerly Invitae), Labcorp
Classification: Likely benign for Fanconi anemia. Last evaluated: 2025-11-24. Review status: criteria provided, single submitter. Criteria: Invitae Variant Classification Sherloc (09022015). Collection method: clinical testing. Allele origin: germline.

Ambry Genetics
Classification: Likely benign for Inborn genetic diseases. Last evaluated: 2025-02-21. Review status: criteria provided, single submitter. Criteria: Ambry Variant Classification Scheme 2023. Collection method: clinical testing. Allele origin: germline.

CeGaT Center for Human Genetics Tuebingen
Classification: Likely benign. Last evaluated: 2024-11-01. Review status: criteria provided, single submitter. Criteria: CeGaT Center For Human Genetics Tuebingen Variant Classification Criteria Version 2. Collection method: clinical testing. Allele origin: germline. Affected: yes. Observed: 1 variant allele.
Comment: FANCB: BP4, BS2

Blueprint Genetics
Classification: Likely benign. Last evaluated: 2022-07-11. Review status: criteria provided, single submitter. Criteria: ACMG Guidelines, 2015. Collection method: clinical testing. Allele origin: germline.

Sema4
Classification: Likely benign for Fanconi anemia. Last evaluated: 2021-03-31. Review status: criteria provided, single submitter. Criteria: Sema4 Curation Guidelines. Collection method: curation. Allele origin: germline.

Genetic Services Laboratory, University of Chicago
Classification: Uncertain significance. Last evaluated: 2016-12-07. Review status: criteria provided, single submitter. Criteria: ACMG Guidelines, 2015. Collection method: clinical testing. Allele origin: germline. Affected: no.

NM_001018113.3(FANCB):c.2228T>G (p.Phe743Cys)

Gene: FANCB (FA complementation group B; minus strand). Cytogenetic location: Xp22.2.
Variant type: single nucleotide variant.
Coding change: c.2228T>G on transcript NM_001018113.3 (MANE Select); coding-DNA position 2228, T replaced by G.
Protein change: p.Phe743Cys; replaces phenylalanine 743 with cysteine.
Molecular consequence: missense variant.
Genome position (GRCh38, 1-based): chrX:14,843,919, A>C on the plus strand (T>G on the coding strand, the complement: FANCB is on the minus strand). VCF-style: chrX-14843919-A-C. GRCh37 (hg19) VCF-style: chrX-14862041-A-C.
Other names: c.2228T>G, p.Phe743Cys (NM_001324162.2, NM_152633.4); short protein forms F743C.
Identifiers: ClinVar variation 435139 (VCV000435139.28), dbSNP rs747865842, ClinGen allele CA10352937.